The following is an entry in ClinVar:

ClinVar aggregate classification (germline): Uncertain significance (1 of 4 stars; one submission).

Allele frequency attached by ClinVar (database versions not stated): gnomAD exomes below 0.00001; TOPMed below 0.00001; ExAC 0.00001.

Submission:

Labcorp Genetics (formerly Invitae), Labcorp
Classification: Uncertain significance. Last evaluated: 2025-04-17. Review status: criteria provided, single submitter. Criteria: Invitae Variant Classification Sherloc (09022015). Collection method: clinical testing. Allele origin: germline.
Comment: This sequence change replaces alanine, which is neutral and non-polar, with threonine, which is neutral and polar, at codon 229 of the CABP4 protein (p.Ala229Thr). This variant is present in population databases (rs763253832, gnomAD 0.003%). This variant has not been reported in the literature in individuals affected with CABP4-related conditions. ClinVar contains an entry for this variant (Variation ID: 1475500). Invitae Evidence Modeling of protein sequence and biophysical properties (such as structural, functional, and spatial information, amino acid conservation, physicochemical variation, residue mobility, and thermodynamic stability) indicates that this missense variant is not expected to disrupt CABP4 protein function with a negative predictive value of 80%. In summary, the available evidence is currently insufficient to determine the role of this variant in disease. Therefore, it has been classified as a Variant of Uncertain Significance.

NM_145200.5(CABP4):c.685G>A (p.Ala229Thr)

Gene: CABP4 (calcium binding protein 4; plus strand). Cytogenetic location: 11q13.2.
Variant type: single nucleotide variant.
Coding change: c.685G>A on transcript NM_145200.5 (MANE Select); coding-DNA position 685, G replaced by A.
Protein change: p.Ala229Thr; replaces alanine 229 with threonine.
Molecular consequence: missense variant. On other transcripts: non-coding transcript variant (1).
Genome position (GRCh38, 1-based): chr11:67,458,404, G>A. VCF-style: chr11-67458404-G-A. GRCh37 (hg19) VCF-style: chr11-67225875-G-A.
Other names: c.370G>A, p.Ala124Thr (NM_001300895.3, NM_001300896.3, NM_001379183.1); short protein forms A124T, A229T.
Identifiers: ClinVar variation 1475500 (VCV001475500.6), dbSNP rs763253832, ClinGen allele CA6140320.
Genomic context (GRCh38, chr11:67,458,404, plus strand): 5'-AGGGGCTGAGCTTTGCGGGGACCTTAGTTTGACAGGGACAGGGATGGACGAATTACGGTG[G>A]CGGAGCTGCGGGAGGCGGTACCGGCTCTGCTCGGGGAGCCGCTGGCGGGTCCTGAGCTGG-3'
Protein context (NP_660201.1, residues 219-239): DRDRDGRITV[Ala229Thr]ELREAVPALL